The following is an entry in ClinVar:

NM_000303.3(PMM2):c.442G>T (p.Asp148Tyr)

Gene: PMM2 (phosphomannomutase 2; plus strand). Cytogenetic location: 16p13.2.
Variant type: single nucleotide variant.
Coding change: c.442G>T on transcript NM_000303.3 (MANE Select); coding-DNA position 442, G replaced by T.
Protein change: p.Asp148Tyr; replaces aspartic acid 148 with tyrosine.
Molecular consequence: missense variant.
Genome position (GRCh38, 1-based): chr16:8,811,173, G>T. VCF-style: chr16-8811173-G-T. GRCh37 (hg19) VCF-style: chr16-8905030-G-T.
Other names: short protein forms D148Y.
Identifiers: ClinVar variation 2740347 (VCV002740347.3), dbSNP rs148032587, ClinGen allele CA394696717.

ClinVar aggregate classification (germline): Likely pathogenic (1 of 4 stars; one submission).

Conditions:
PMM2-congenital disorder of glycosylation. Also called: CDG Ia; JAEKEN SYNDROME; PHOSPHOMANNOMUTASE 2 DEFICIENCY; CARBOHYDRATE-DEFICIENT GLYCOPROTEIN SYNDROME, TYPE Ia; Congenital disorder of glycosylation, type Ia; PMM2-CDG. Identifiers: Orphanet 79318, MedGen C0349653, MONDO:0008907, OMIM 212065.

Submission:

Labcorp Genetics (formerly Invitae), Labcorp
Classification: Likely pathogenic for PMM2-congenital disorder of glycosylation. Last evaluated: 2022-11-29. Review status: criteria provided, single submitter. Criteria: Invitae Variant Classification Sherloc (09022015). Collection method: clinical testing. Allele origin: germline.
Comment: Advanced modeling of protein sequence and biophysical properties (such as structural, functional, and spatial information, amino acid conservation, physicochemical variation, residue mobility, and thermodynamic stability) performed at Invitae indicates that this missense variant is expected to disrupt PMM2 protein function. This variant has not been reported in the literature in individuals affected with PMM2-related conditions. This variant is not present in population databases (gnomAD no frequency). This sequence change replaces aspartic acid, which is acidic and polar, with tyrosine, which is neutral and polar, at codon 148 of the PMM2 protein (p.Asp148Tyr). This variant disrupts the p.Asp148 amino acid residue in PMM2. Other variant(s) that disrupt this residue have been determined to be pathogenic (PMID: 10801058, 11715002, 18203160). This suggests that this residue is clinically significant, and that variants that disrupt this residue are likely to be disease-causing. In summary, the currently available evidence indicates that the variant is pathogenic, but additional data are needed to prove that conclusively. Therefore, this variant has been classified as Likely Pathogenic.

Literature cited by the submitters: PubMed 10801058; PubMed 11715002; PubMed 18203160.